The following continues an entry in ClinVar:

NM_000518.5(HBB):c.316-3C>A

ClinVar aggregate classification (germline): Pathogenic/Likely pathogenic. Pathogenic (11); Likely pathogenic (1).

Submissions 12 to 16 of 16:

Women's Health and Genetics/Laboratory Corporation of America, LabCorp
Classification: Pathogenic for Beta Thalassemia Intermedia. Last evaluated: 2011-08-18. Review status: criteria provided, single submitter. Criteria: LabCorp Variant Classification Summary - May 2015. Collection method: curation, clinical testing. Allele origin: germline. Inheritance: autosomal recessive. Affected: yes. Observed: 7 variant alleles.
ClinVar note: Converted during submission from pathogenic to Pathogenic.

The ITHANET community portal, The Cyprus Institute of Neurology and Genetics
Classification: Pathogenic for beta Thalassemia. Last evaluated: 2019-11-25. Review status: no assertion criteria provided. Collection method: curation. Allele origin: germline. Not counted in ClinVar's aggregate classification.

Counsyl
Classification: Likely pathogenic for Beta-thalassemia HBB/LCRB. Last evaluated: 2015-11-17. Review status: no assertion criteria provided. Collection method: clinical testing. Allele origin: unknown. Not counted in ClinVar's aggregate classification.

OMIM
Classification: Pathogenic for BETA-PLUS-THALASSEMIA. Last evaluated: 1989-03-01. Review status: no assertion criteria provided. Collection method: literature only. Allele origin: germline. Not counted in ClinVar's aggregate classification.

Dr. Peter K. Rogan Lab, Western University
No classification provided (evidence only). Condition: Acute myeloid leukemia. Review status: no classification provided. Collection method: in vitro. Allele origin: not applicable. Functional consequence: retained intron. Not counted in ClinVar's aggregate classification.

Literature cited by the submitters: PubMed 2920213 (cited by 8 submitters); PubMed 2458145 (cited by 7 submitters); PubMed 25617386 (cited by 4 submitters); PubMed 28276871 (cited by 4 submitters); PubMed 31718331 (cited by Department of Molecular Genetics, Istishari Arab Hospital and Quest Diagnostics Nichols Institute San Juan Capistrano); PubMed 32069775 (cited by 3 submitters); PubMed 10490138 (cited by Natera, Inc.); PubMed 17365005 (cited by Natera, Inc.); PubMed 25825561 (cited by Natera, Inc. and Counsyl); PubMed 17576681 (cited by Labcorp Genetics (formerly Invitae), Labcorp); PubMed 9536098 (cited by Labcorp Genetics (formerly Invitae), Labcorp); PubMed 25087612 (cited by Quest Diagnostics Nichols Institute San Juan Capistrano); PubMed 9140720 (cited by Quest Diagnostics Nichols Institute San Juan Capistrano and Women's Health and Genetics/Laboratory Corporation of America, LabCorp); PubMed 27756326 (cited by Quest Diagnostics Nichols Institute San Juan Capistrano); PubMed 1917531 (cited by Women's Health and Genetics/Laboratory Corporation of America, LabCorp); PubMed 2200760 (cited by Women's Health and Genetics/Laboratory Corporation of America, LabCorp); PubMed 20437613 (cited by Women's Health and Genetics/Laboratory Corporation of America, LabCorp); PubMed 11857746 (cited by Women's Health and Genetics/Laboratory Corporation of America, LabCorp); PubMed 20704537 (cited by Women's Health and Genetics/Laboratory Corporation of America, LabCorp); PubMed 17365006 (cited by Counsyl); PubMed 25155404 (cited by Counsyl); PubMed 25480500 (cited by Counsyl); PubMed 8477263 (cited by Counsyl).